The following is an entry in ClinVar:

ClinVar aggregate classification (germline): Conflicting classifications of pathogenicity. Review status: criteria provided, conflicting classifications (1 of 4 stars). 5 submissions from 4 submitters: Uncertain significance (4); Benign (1). Last evaluated 2023-12-09.

Conditions:
Adams-Oliver syndrome 5 (AOS5). Identifiers: Orphanet 974, MedGen C4014970, MONDO:0014459, OMIM 616028.
Familial thoracic aortic aneurysm and aortic dissection (TAAD). Also called: Thoracic aortic aneurysms and dissections. Identifiers: Orphanet 91387, MedGen C4707243, MONDO:0019625.
Aortic valve disease 1 (AOVD1). Identifiers: MedGen C3887892, MONDO:0024523, OMIM 109730.

Allele frequency attached by ClinVar (database versions not stated): ExAC 0.00002; gnomAD exomes 0.00002.
gnomAD v4.1: 22 of 1,612,828 alleles (0.0014%); highest among the groups gnomAD compares: Middle Eastern, 0.017%; no homozygotes.

Submissions (5):

Labcorp Genetics (formerly Invitae), Labcorp
Classification: Benign for Adams-Oliver syndrome 5. Last evaluated: 2023-12-09. Review status: criteria provided, single submitter. Criteria: Invitae Variant Classification Sherloc (09022015). Collection method: clinical testing. Allele origin: germline.

Ambry Genetics
Classification: Uncertain significance for Familial thoracic aortic aneurysm and aortic dissection. Last evaluated: 2023-11-01. Review status: criteria provided, single submitter. Criteria: Ambry Variant Classification Scheme 2023. Collection method: clinical testing. Allele origin: germline.
Comment: The p.R2327W variant (also known as c.6979C>T), located in coding exon 34 of the NOTCH1 gene, results from a C to T substitution at nucleotide position 6979. The arginine at codon 2327 is replaced by tryptophan, an amino acid with dissimilar properties. This amino acid position is well conserved in available vertebrate species. In addition, the in silico prediction for this alteration is inconclusive. Since supporting evidence is limited at this time, the clinical significance of this alteration remains unclear.

Genome-Nilou Lab
Classification: Uncertain significance for Adams-Oliver syndrome 5. Last evaluated: 2022-03-15. Review status: criteria provided, single submitter. Criteria: ACMG Guidelines, 2015. Collection method: clinical testing. Allele origin: germline. Affected: no.

Genome-Nilou Lab
Classification: Uncertain significance for Aortic valve disease 1. Last evaluated: 2022-03-15. Review status: criteria provided, single submitter. Criteria: ACMG Guidelines, 2015. Collection method: clinical testing. Allele origin: germline. Affected: no.

Centre for Mendelian Genomics, University Medical Centre Ljubljana
Classification: Uncertain significance for Aortic valve disease 1. Last evaluated: 2020-02-20. Review status: criteria provided, single submitter. Criteria: ACMG Guidelines, 2015. Collection method: clinical testing. Allele origin: unknown. Affected: yes.
Comment: This variant was classified as: Uncertain significance. The available evidence on this variant's pathogenicity is insufficient or conflicting. The following ACMG criteria were applied in classifying this variant: No criteria apply.

NM_017617.5(NOTCH1):c.6979C>T (p.Arg2327Trp)

Gene: NOTCH1 (notch receptor 1; minus strand). Cytogenetic location: 9q34.3.
Variant type: single nucleotide variant.
Coding change: c.6979C>T on transcript NM_017617.5 (MANE Select); coding-DNA position 6979, C replaced by T.
Protein change: p.Arg2327Trp; replaces arginine 2327 with tryptophan.
Molecular consequence: missense variant.
Genome position (GRCh38, 1-based): chr9:136,496,760, G>A on the plus strand (C>T on the coding strand, the complement: NOTCH1 is on the minus strand). VCF-style: chr9-136496760-G-A. GRCh37 (hg19) VCF-style: chr9-139391212-G-A.
Other names: c.6979C>T, p.Arg2327Trp (LRG_1122t1); short protein forms R2327W.
Identifiers: ClinVar variation 376346 (VCV000376346.15), dbSNP rs751007903, ClinGen allele CA5339772.